The following is an entry in ClinVar:

ClinVar aggregate classification (germline): Uncertain significance (1 of 4 stars; one submission).

Conditions:
Lethal multiple pterygium syndrome (LMPS). Identifiers: Orphanet 33108, MedGen C1854678, MONDO:0009668, OMIM 253290.

gnomAD v4.1: 5 of 1,613,936 alleles (0.00031%); highest among the groups gnomAD compares: South Asian, 0.0022%; no homozygotes.

Submission:

Labcorp Genetics (formerly Invitae), Labcorp
Classification: Uncertain significance for Lethal multiple pterygium syndrome. Last evaluated: 2025-12-25. Review status: criteria provided, single submitter. Criteria: Invitae Variant Classification Sherloc (09022015). Collection method: clinical testing. Allele origin: germline.
Comment: This sequence change replaces valine, which is neutral and non-polar, with isoleucine, which is neutral and non-polar, at codon 238 of the CHRNA1 protein (p.Val238Ile). This variant is present in population databases (no rsID available, gnomAD 0.006%). This variant has not been reported in the literature in individuals affected with CHRNA1-related conditions. Invitae Evidence Modeling of protein sequence and biophysical properties (such as structural, functional, and spatial information, amino acid conservation, physicochemical variation, residue mobility, and thermodynamic stability) indicates that this missense variant is not expected to disrupt CHRNA1 protein function with a negative predictive value of 80%. In summary, the available evidence is currently insufficient to determine the role of this variant in disease. Therefore, it has been classified as a Variant of Uncertain Significance.

NM_000079.4(CHRNA1):c.712G>A (p.Val238Ile)

Gene: CHRNA1 (cholinergic receptor nicotinic alpha 1 subunit; minus strand). Cytogenetic location: 2q31.1.
Variant type: single nucleotide variant.
Coding change: c.712G>A on transcript NM_000079.4 (MANE Select); coding-DNA position 712, G replaced by A.
Protein change: p.Val238Ile; replaces valine 238 with isoleucine.
Molecular consequence: missense variant.
Genome position (GRCh38, 1-based): chr2:174,753,569, C>T on the plus strand (G>A on the coding strand, the complement: CHRNA1 is on the minus strand). VCF-style: chr2-174753569-C-T. GRCh37 (hg19) VCF-style: chr2-175618297-C-T.
Other names: c.787G>A, p.Val263Ile (NM_001039523.3); short protein forms V238I, V263I.
Identifiers: ClinVar variation 4701696 (VCV004701696.1).